The following is an entry in ClinVar:

NM_001009999.3(KDM1A):c.1348G>A (p.Glu450Lys)

Gene: KDM1A (lysine demethylase 1A; plus strand). Cytogenetic location: 1p36.12.
Variant type: single nucleotide variant.
Coding change: c.1348G>A on transcript NM_001009999.3 (MANE Select); coding-DNA position 1348, G replaced by A.
Protein change: p.Glu450Lys; replaces glutamic acid 450 with lysine.
Molecular consequence: missense variant.
Genome position (GRCh38, 1-based): chr1:23,069,086, G>A. VCF-style: chr1-23069086-G-A. GRCh37 (hg19) VCF-style: chr1-23395579-G-A.
Other names: c.1276G>A, p.Glu426Lys (NM_001363654.2, NM_001410763.1, NM_015013.4); c.1336G>A, p.Glu446Lys (NM_001410762.1); short protein forms E426K, E450K, E446K.
Identifiers: ClinVar variation 3863342 (VCV003863342.1).

ClinVar aggregate classification (germline): Uncertain significance (1 of 4 stars; one submission).

Conditions:
Inborn genetic diseases. Identifiers: MedGen C0950123, MeSH D030342.

Submission:

Ambry Genetics
Classification: Uncertain significance for Inborn genetic diseases. Last evaluated: 2025-02-24. Review status: criteria provided, single submitter. Criteria: Ambry Variant Classification Scheme 2023. Collection method: clinical testing. Allele origin: germline.
Comment: The p.E450K variant (also known as c.1348G>A), located in coding exon 12 of the KDM1A gene, results from a G to A substitution at nucleotide position 1348. The glutamic acid at codon 450 is replaced by lysine, an amino acid with similar properties. This amino acid position is conserved. In addition, this alteration is predicted to be deleterious by in silico analysis. Based on the available evidence, the clinical significance of this variant remains unclear.